The following is an entry in ClinVar:

ClinVar aggregate classification (germline): Likely pathogenic (1 of 4 stars; one submission).

Submission:

GeneDx
Classification: Likely pathogenic. Last evaluated: 2015-06-20. Review status: criteria provided, single submitter. Criteria: GeneDx Variant Classification (06012015). Collection method: clinical testing. Allele origin: germline. Affected: yes.
Comment: The M1511R variant has not been published as a pathogenic variant, nor has it been reported as a benign polymorphism to our knowledge. However, a different amino acid substitution at the same residue (M1511K) was previously reported in an individual with intractable epilepsy (Wang et al., 2012), and missense variants in nearby residues (E1503K/G, A1510E, L1514S, P1519T) have been reported in the Human Gene Mutation Database in association with SCN1A-related disorders (Stenson et al., 2014), supporting the functional importance of this region of the protein. M1511R was not observed in approximately 6,500 individuals of European and African American ancestry in the NHLBI Exome Sequencing Project, indicating it is not a common benign variant in these populations. The M1511R variant is a non-conservative amino acid substitution, which is likely to impact secondary protein structure as these residues differ in polarity, charge, size and/or other properties. Additionally, this substitution alters a conserved position predicted to be in the cytoplasmic loop between the third and fourth homologous domains, and in silico analysis predicts this variant is probably damaging to the protein structure/function. Therefore, this variant is a strong candidate for a pathogenic variant, however the possibility that it is a benign variant cannot be excluded.

NM_001165963.4(SCN1A):c.4532T>G (p.Met1511Arg)

Genes: SCN1A (sodium voltage-gated channel alpha subunit 1; minus strand), LOC102724058 (uncharacterized LOC102724058; plus strand). Cytogenetic location: 2q24.3.
Variant type: single nucleotide variant.
Coding change: c.4532T>G on transcript NM_001165963.4 (MANE Select); coding-DNA position 4532, T replaced by G.
Protein change: p.Met1511Arg; replaces methionine 1511 with arginine.
Molecular consequence: missense variant. On other transcripts: non-coding transcript variant (1).
Genome position (GRCh38, 1-based): chr2:165,996,062, A>C on the plus strand (T>G on the coding strand, the complement: SCN1A is on the minus strand). VCF-style: chr2-165996062-A-C. GRCh37 (hg19) VCF-style: chr2-166852572-A-C.
Other names: c.4448T>G, p.Met1483Arg (NM_001165964.3, NM_001353957.2, NM_001353958.2); c.4532T>G, p.Met1511Arg (NM_001202435.3, NM_001353948.2); c.4499T>G, p.Met1500Arg (NM_001353949.2, NM_001353950.2, NM_001353951.2 and 2 more transcripts); c.4496T>G, p.Met1499Arg (NM_001353954.2, NM_001353955.2); c.4445T>G, p.Met1482Arg (NM_001353960.2); c.2090T>G, p.Met697Arg (NM_001353961.2); short protein forms M1500R, M1511R, M697R, M1482R, M1483R, M1499R.
Identifiers: ClinVar variation 431865 (VCV000431865.2), dbSNP rs1553521507, ClinGen allele CA349048679.
Genomic context (GRCh38, chr2:165,996,062, plus strand): 5'-ATACTTCTTACTCCTGGTCGAGGTATAGGCTTTTGCGGTTTTTTCGATCCTAATTTTTTC[A>C]TTGCATTATAGTATTTCTTCTGTTCTTCTGTCATAAAGATGTCTTGACCTCCAAAGTATA-3'
Protein context (NP_001159435.1, residues 1501-1521): TEEQKKYYNA[Met1511Arg]KKLGSKKPQK